The following is an entry in ClinVar:

NM_000092.5(COL4A4):c.2083G>T (p.Gly695Cys)

Gene: COL4A4 (collagen type IV alpha 4 chain; minus strand). Cytogenetic location: 2q36.3.
Variant type: single nucleotide variant.
Coding change: c.2083G>T on transcript NM_000092.5 (MANE Select); coding-DNA position 2083, G replaced by T.
Protein change: p.Gly695Cys; replaces glycine 695 with cysteine.
Molecular consequence: missense variant.
Genome position (GRCh38, 1-based): chr2:227,060,217, C>A on the plus strand (G>T on the coding strand, the complement: COL4A4 is on the minus strand). VCF-style: chr2-227060217-C-A. GRCh37 (hg19) VCF-style: chr2-227924933-C-A.
Other names: short protein forms G695C.
Identifiers: ClinVar variation 4687743 (VCV004687743.1).

ClinVar aggregate classification (germline): Uncertain significance (1 of 4 stars; one submission).

Submission:

Women's Health and Genetics/Laboratory Corporation of America, LabCorp
Classification: Uncertain significance. Last evaluated: 2025-10-27. Review status: criteria provided, single submitter. Criteria: LabCorp Variant Classification Summary - May 2015. Collection method: clinical testing. Allele origin: germline.
Comment: Variant summary: COL4A4 c.2083G>T (p.Gly695Cys) results in a non-conservative amino acid change in the encoded protein sequence. Algorithms developed to predict the effect of missense changes on protein structure and function all suggest that this variant is likely to be disruptive. The variant was absent in 248098 control chromosomes. The available data on variant occurrences in the general population are insufficient to allow any conclusion about variant significance. To our knowledge, no occurrence of c.2083G>T in individuals affected with COL4A4-related conditions and no experimental evidence demonstrating its impact on protein function have been reported. No submitters have cited clinical-significance assessments for this variant to ClinVar. Based on the evidence outlined above, the variant was classified as uncertain significance.